The following is an entry in ClinVar:

ClinVar aggregate classification (germline): Likely pathogenic. Review status: criteria provided, multiple submitters, no conflicts (2 of 4 stars). 2 submissions from 2 submitters: Likely pathogenic (2). Last evaluated 2024-11-25.

Conditions:
COL1A2-related disorder. Also called: COL1A2-related condition; COL1A2-Related Disorders.

Submissions (2):

3billion
Classification: Likely pathogenic for COL1A2-related disorder. Last evaluated: 2024-11-25. Review status: criteria provided, single submitter. Criteria: ACMG Guidelines, 2015. Collection method: clinical testing. Allele origin: germline. Affected: yes.
Comment: The variant is not observed in the gnomAD v4.1.0 dataset. Predicted Consequence/Location: Missense variant. Missense changes are a common disease-causing mechanism. In silico tool predictions suggest damaging effect of the variant on gene or gene product [REVEL: 0.97 (>=0.6, sensitivity 0.68 and specificity 0.92); 3Cnet: 0.98 (>=0.6, sensitivity 0.72 and precision 0.9)]. Different missense changes at the same codon (p.Gly304Arg, p.Gly304Ser) have been reported as pathogenic/likely pathogenic with strong evidence (ClinVar ID: VCV000870113 /PMID: 30886339, 37270749). Therefore, this variant is classified as Likely pathogenic according to the recommendation of ACMG/AMP guideline.

Revvity Omics, Revvity
Classification: Likely pathogenic. Last evaluated: 2024-07-26. Review status: criteria provided, single submitter. Criteria: ACMG Guidelines, 2015. Collection method: clinical testing. Allele origin: germline.

Literature cited by the submitters: PubMed 30886339 (cited by 3billion).

NM_000089.4(COL1A2):c.911G>A (p.Gly304Asp)

Gene: COL1A2 (collagen type I alpha 2 chain; plus strand). Cytogenetic location: 7q21.3.
Variant type: single nucleotide variant.
Coding change: c.911G>A on transcript NM_000089.4 (MANE Select); coding-DNA position 911, G replaced by A.
Protein change: p.Gly304Asp; replaces glycine 304 with aspartic acid.
Molecular consequence: missense variant.
Genome position (GRCh38, 1-based): chr7:94,409,583, G>A. VCF-style: chr7-94409583-G-A. GRCh37 (hg19) VCF-style: chr7-94038895-G-A.
Other names: short protein forms G304D.
Identifiers: ClinVar variation 4081264 (VCV004081264.2).
Genomic context (GRCh38, chr7:94,409,583, plus strand): 5'-TCCAATTAACTGATATCCTTCTCCTTTCCTTTTCCTCATAGGGTAATCCTGGAGCAAACG[G>A]CCTTACTGGTGCCAAGGGTGCTGCTGTGAGTATACCTGCGTAGCTAAAATGTGCTGCTAT-3'
Protein context (NP_000080.2, residues 294-314): VGPPGNPGAN[Gly304Asp]LTGAKGAAGL